The following is an entry in ClinVar:

NM_001267550.2(TTN):c.84658G>A (p.Asp28220Asn)

Genes: TTN-AS1 (TTN antisense RNA 1; plus strand), TTN (titin; minus strand). Cytogenetic location: 2q31.2.
Variant type: single nucleotide variant.
Coding change: c.84658G>A on transcript NM_001267550.2 (MANE Select); coding-DNA position 84658, G replaced by A.
Protein change: p.Asp28220Asn; replaces aspartic acid 28220 with asparagine.
Molecular consequence: missense variant.
Genome position (GRCh38, 1-based): chr2:178,561,474, C>T on the plus strand (G>A on the coding strand, the complement: TTN is on the minus strand). VCF-style: chr2-178561474-C-T. GRCh37 (hg19) VCF-style: chr2-179426201-C-T.
Other names: c.58039G>A, p.Asp19347Asn (NM_133437.4); c.79735G>A, p.Asp26579Asn (NM_001256850.1); c.57463G>A, p.Asp19155Asn (NM_003319.4); c.76954G>A, p.Asp25652Asn (NM_133378.4); c.57838G>A, p.Asp19280Asn (NM_133432.3); short protein forms D19155N, D19280N, D19347N, D25652N, D26579N, D28220N.
Identifiers: ClinVar variation 5040305 (VCV005040305.1).
Genomic context (GRCh38, chr2:178,561,474, plus strand): 5'-ATTTACCAATTCCAGCAATATTTTCAGCATATACACGATACTCATACATCAGTCCTTCAT[C>T]AAGGCCGGAGACTTTCATTTGAGTATCAGCAATGAGGATTTTATTTGCTTTTGACCAAAG-3'
Protein context (NP_001254479.2, residues 28210-28230): ADTQMKVSGL[Asp28220Asn]EGLMYEYRVY

ClinVar aggregate classification (germline): Likely benign (1 of 4 stars; one submission).

gnomAD v4.1: 1 of 1,613,786 alleles (0.000062%); highest among the groups gnomAD compares: Non-Finnish European, 0.000085%; no homozygotes.

Submission:

CeGaT Center for Human Genetics Tuebingen
Classification: Likely benign. Last evaluated: 2026-07-01. Review status: criteria provided, single submitter. Criteria: CeGaT Center For Human Genetics Tuebingen Variant Classification Criteria Version 2. Collection method: clinical testing. Allele origin: germline. Affected: yes. Observed: 1 variant allele.
Comment: TTN: BP4